The following is an entry in ClinVar:

NM_021930.6(RINT1):c.1983G>C (p.Gln661His)

Genes: EFCAB10 (EF-hand calcium binding domain 10; minus strand), RINT1 (RAD50 interactor 1; plus strand). Cytogenetic location: 7q22.3.
Variant type: single nucleotide variant.
Coding change: c.1983G>C on transcript NM_021930.6 (MANE Select); coding-DNA position 1983, G replaced by C.
Protein change: p.Gln661His; replaces glutamine 661 with histidine.
Molecular consequence: missense variant. On other transcripts: 3 prime UTR variant (3), non-coding transcript variant (1).
Genome position (GRCh38, 1-based): chr7:105,565,373, G>C. VCF-style: chr7-105565373-G-C. GRCh37 (hg19) VCF-style: chr7-105205820-G-C.
Other names: c.*74C>G (NM_001355526.2); c.*176C>G (NM_001355530.2); c.*29C>G (NM_001355531.2); c.1749G>C, p.Gln583His (NM_001346599.2); c.960G>C, p.Gln320His (NM_001346600.2, NM_001346603.2); c.1059G>C, p.Gln353His (NM_001346601.2); short protein forms Q320H, Q353H, Q583H, Q661H.
Identifiers: ClinVar variation 3227626 (VCV003227626.1), dbSNP rs2133477138, ClinGen allele CA368814826.

ClinVar aggregate classification (germline): Uncertain significance (1 of 4 stars; one submission).

Submission:

Ambry Genetics
Classification: Uncertain significance. Last evaluated: 2023-09-16. Review status: criteria provided, single submitter. Criteria: Ambry Variant Classification Scheme 2023. Collection method: clinical testing. Allele origin: germline.
Comment: The p.Q661H variant (also known as c.1983G>C), located in coding exon 13 of the RINT1 gene, results from a G to C substitution at nucleotide position 1983. The glutamine at codon 661 is replaced by histidine, an amino acid with highly similar properties. This amino acid position is conserved. In addition, this alteration is predicted to be tolerated by in silico analysis. Since supporting evidence is limited at this time, the clinical significance of this alteration remains unclear.